The following is an entry in ClinVar:

ClinVar aggregate classification (germline): Benign/Likely benign. Review status: criteria provided, multiple submitters, no conflicts (2 of 4 stars). 2 submissions from 2 submitters: Benign (1); Likely benign (1). Last evaluated 2024-08-06.

Conditions:
Juvenile polyposis syndrome (JPS). Identifiers: Orphanet 2929, MedGen C0345893, MONDO:0017380, OMIM 174900.

Submissions (2):

Myriad Genetics, Inc.
Classification: Benign for Juvenile polyposis syndrome. Last evaluated: 2024-08-06. Review status: criteria provided, single submitter. Criteria: Myriad Autosomal Dominant, Autosomal Recessive and X-Linked Classification Criteria (2023). Collection method: clinical testing. Allele origin: unknown.
Comment: This variant is considered benign. This variant is a silent/synonymous amino acid change and it is not expected to impact splicing.

Labcorp Genetics (formerly Invitae), Labcorp
Classification: Likely benign for Juvenile polyposis syndrome. Last evaluated: 2019-02-03. Review status: criteria provided, single submitter. Criteria: Invitae Variant Classification Sherloc (09022015). Collection method: clinical testing. Allele origin: germline.

NM_004329.3(BMPR1A):c.1080T>C (p.His360=)

Gene: BMPR1A (bone morphogenetic protein receptor type 1A; plus strand). Cytogenetic location: 10q23.2.
Variant type: single nucleotide variant.
Coding change: c.1080T>C on transcript NM_004329.3 (MANE Select); coding-DNA position 1080, T replaced by C.
Protein change: p.His360=; no amino-acid change (histidine 360 retained).
Molecular consequence: synonymous variant.
Genome position (GRCh38, 1-based): chr10:86,919,383, T>C. VCF-style: chr10-86919383-T-C. GRCh37 (hg19) VCF-style: chr10-88679140-T-C.
Identifiers: ClinVar variation 1102094 (VCV001102094.10), dbSNP rs2133592946, ClinGen allele CA470373255.